The following is an entry in ClinVar:

ClinVar aggregate classification (germline): Uncertain significance (1 of 4 stars; one submission).

Conditions:
Multiple mitochondrial dysfunctions syndrome 6. Identifiers: Orphanet 569290, MedGen C4693741, MONDO:0054785, OMIM 617954.

Submission:

Juno Genomics, Hangzhou Juno Genomics, Inc
Classification: Uncertain significance for Multiple mitochondrial dysfunctions syndrome 6. Review status: criteria provided, single submitter. Criteria: ACMG Guidelines, 2015. Collection method: clinical testing. Allele origin: germline.
Comment: Absent from controls (or at extremely low frequency if recessive) in Genome Aggregation Database.

NM_004279.3(PMPCB):c.1048T>G (p.Phe350Val)

Gene: PMPCB (peptidase, mitochondrial processing subunit beta; plus strand). Cytogenetic location: 7q22.1.
Variant type: single nucleotide variant.
Coding change: c.1048T>G on transcript NM_004279.3 (MANE Select); coding-DNA position 1048, T replaced by G.
Protein change: p.Phe350Val; replaces phenylalanine 350 with valine.
Molecular consequence: missense variant.
Genome position (GRCh38, 1-based): chr7:103,310,369, T>G. VCF-style: chr7-103310369-T-G. GRCh37 (hg19) VCF-style: chr7-102950816-T-G.
Other names: c.1048T>G, p.Phe350Val (NM_001438231.1); short protein forms F350V.
Identifiers: ClinVar variation 5007116 (VCV005007116.2).
Genomic context (GRCh38, chr7:103,310,369, plus strand): 5'-TTGCAGAATTTATCTAGCAAGCTGGCCCAGCTCACTTGTCATGGCAATCTTTGCCATAGC[T>G]TTCAGTCTTTCAACACTTCCTACACAGATACAGGATTATGGGGACTGTATATGGTTTGTG-3'
Protein context (NP_004270.2, residues 340-360): LTCHGNLCHS[Phe350Val]QSFNTSYTDT